The following is an entry in ClinVar:

ClinVar aggregate classification (germline): Pathogenic (1 of 4 stars; one submission).

Submission:

GeneDx
Classification: Pathogenic. Last evaluated: 2025-09-03. Review status: criteria provided, single submitter. Criteria: GeneDx Variant Classification Process June 2021. Collection method: clinical testing. Allele origin: germline.
Comment: Frameshift variant predicted to result in protein truncation or nonsense mediated decay in a gene for which loss of function is a known mechanism of disease; Not observed at significant frequency in large population cohorts (gnomAD); Has not been previously published as pathogenic or benign to our knowledge

NM_005559.4(LAMA1):c.2079del (p.Ser694fs)

Gene: LAMA1 (laminin subunit alpha 1; minus strand). Cytogenetic location: 18p11.31.
Variant type: Deletion.
Coding change: c.2079del on transcript NM_005559.4 (MANE Select); coding-DNA position 2079, one base deleted (C; older notation c.2079delC).
Protein change: p.Ser694fs; shifts the reading frame from serine 694.
Molecular consequence: frameshift variant.
Genome position (GRCh38, 1-based): chr18:7,033,068, G deleted on the plus strand (C on the coding strand, the reverse complement: LAMA1 is on the minus strand); the first of 2 consecutive G bases (chr18:7,033,068-7,033,069); deleting either gives the same sequence. VCF-style (leftmost placement, unchanged base first): chr18-7033067-TG-T. GRCh37 (hg19) VCF-style: chr18-7033066-TG-T.
Other names: short protein forms S694fs.
Identifiers: ClinVar variation 3764130 (VCV003764130.2).